The following is an entry in ClinVar:

NC_000012.11:g.(?_88484485)_(88487772_?)del

Gene: CEP290 (centrosomal protein 290; minus strand). Cytogenetic location: 12q21.32.
Variant type: Deletion.
Identifiers: ClinVar variation 3244272 (VCV003244272.1).

ClinVar aggregate classification (germline): Pathogenic (1 of 4 stars; one submission).

Conditions:
Joubert syndrome. Also called: CEREBELLOPARENCHYMAL DISORDER IV; JOUBERT-BOLTSHAUSER SYNDROME; Familial aplasia of the vermis. Identifiers: Orphanet 475, MedGen C5979921, MONDO:0018772.
Nephronophthisis. Also called: Juvenile Nephronophthisis. Identifiers: Orphanet 655, MedGen C0687120, MONDO:0019005, HP:0000090.
Meckel-Gruber syndrome. Also called: DYSENCEPHALIA SPLANCHNOCYSTICA; GRUBER SYNDROME; Dysencephalia splachnocystica. Identifiers: Orphanet 564, MedGen C0265215, MONDO:0018921.

Submission:

Labcorp Genetics (formerly Invitae), Labcorp
Classification: Pathogenic for Joubert syndrome; Meckel-Gruber syndrome; Nephronophthisis. Last evaluated: 2023-04-23. Review status: criteria provided, single submitter. Criteria: Invitae Variant Classification Sherloc (09022015). Collection method: clinical testing. Allele origin: unknown.
Comment: For these reasons, this variant has been classified as Pathogenic. This variant has not been reported in the literature in individuals affected with CEP290-related conditions. This variant is a gross deletion of the genomic region encompassing exon(s) 28-30 of the CEP290 gene. This deletion is out-of-frame, and is expected to create a premature termination codon and result in an absent or disrupted protein product. Loss-of-function variants in CEP290 are known to be pathogenic (PMID: 16909394, 17345604, 20690115).

Literature cited by the submitters: PubMed 16909394; PubMed 17345604; PubMed 20690115.